The following is an entry in ClinVar:

NM_000755.5(CRAT):c.1363G>A (p.Ala455Thr)

Gene: CRAT (carnitine O-acetyltransferase; minus strand). Cytogenetic location: 9q34.11.
Variant type: single nucleotide variant.
Coding change: c.1363G>A on transcript NM_000755.5 (MANE Select); coding-DNA position 1363, G replaced by A.
Protein change: p.Ala455Thr; replaces alanine 455 with threonine.
Molecular consequence: missense variant.
Genome position (GRCh38, 1-based): chr9:129,098,114, C>T on the plus strand (G>A on the coding strand, the complement: CRAT is on the minus strand). VCF-style: chr9-129098114-C-T. GRCh37 (hg19) VCF-style: chr9-131860393-C-T.
Other names: c.1300G>A, p.Ala434Thr (NM_001257363.3, NM_001346548.2, NM_004003.4); c.1366G>A, p.Ala456Thr (NM_001346546.2); c.1363G>A, p.Ala455Thr (NM_001346547.2); c.1243G>A, p.Ala415Thr (NM_001346549.2); short protein forms A415T, A434T, A455T, A456T.
Identifiers: ClinVar variation 3661992 (VCV003661992.2).
Genomic context (GRCh38, chr9:129,098,114, plus strand): 5'-AGTCCATGGAAGCCGAGCGGATGGTGTCGGTGCGGCCCAGGTGAAACATGCGCAGGGAGG[C>T]ACTTTCATAGGTGGCACATGCCTGTCCGTAGATCCTGGTGGGAAATGGGGCTAAGCACGC-3'
Protein context (NP_000746.3, residues 445-465): YGQACATYES[Ala455Thr]SLRMFHLGRT

ClinVar aggregate classification (germline): Uncertain significance (1 of 4 stars; one submission).

Submission:

Labcorp Genetics (formerly Invitae), Labcorp
Classification: Uncertain significance. Last evaluated: 2024-08-12. Review status: criteria provided, single submitter. Criteria: Invitae Variant Classification Sherloc (09022015). Collection method: clinical testing. Allele origin: germline.
Comment: This sequence change replaces alanine, which is neutral and non-polar, with threonine, which is neutral and polar, at codon 455 of the CRAT protein (p.Ala455Thr). This variant is not present in population databases (gnomAD no frequency). This variant has not been reported in the literature in individuals affected with CRAT-related conditions. Advanced modeling of protein sequence and biophysical properties (such as structural, functional, and spatial information, amino acid conservation, physicochemical variation, residue mobility, and thermodynamic stability) performed at Invitae indicates that this missense variant is not expected to disrupt CRAT protein function with a negative predictive value of 80%. In summary, the available evidence is currently insufficient to determine the role of this variant in disease. Therefore, it has been classified as a Variant of Uncertain Significance.